The following is an entry in ClinVar:

NM_152641.4(ARID2):c.2758C>T (p.Gln920Ter)

Gene: ARID2 (AT-rich interaction domain 2; plus strand). Cytogenetic location: 12q12.
Variant type: single nucleotide variant.
Coding change: c.2758C>T on transcript NM_152641.4 (MANE Select); coding-DNA position 2758, C replaced by T.
Protein change: p.Gln920Ter; replaces glutamine 920 with a stop codon.
Molecular consequence: nonsense.
Genome position (GRCh38, 1-based): chr12:45,850,881, C>T. VCF-style: chr12-45850881-C-T. GRCh37 (hg19) VCF-style: chr12-46244664-C-T.
Other names: c.2758C>T, p.Gln920Ter (NM_001347839.2); short protein forms Q920*.
Identifiers: ClinVar variation 432360 (VCV000432360.3), dbSNP rs1555155026, ClinGen allele CA384479547.

ClinVar aggregate classification (germline): Pathogenic. Review status: criteria provided, multiple submitters, no conflicts (2 of 4 stars). 2 submissions from 2 submitters: Pathogenic (2). Last evaluated 2022-05-22.

Conditions:
Coffin-Siris syndrome 6. Identifiers: MedGen C4540499, MONDO:0033492, OMIM 617808.

Submissions (2):

3billion
Classification: Pathogenic for Coffin-Siris syndrome 6. Last evaluated: 2022-05-22. Review status: criteria provided, single submitter. Criteria: ACMG Guidelines, 2015. Collection method: clinical testing. Allele origin: germline. Affected: yes. Observed: 1 heterozygote.
Comment: The variant is not observed in the gnomAD v2.1.1 dataset. Stop-gained (nonsense): predicted to result in a loss or disruption of normal protein function through nonsense-mediated decay (NMD) or protein truncation. Multiple pathogenic variants are reported downstream of the variant. The variant has been reported to be associated with ARID2 related disorder (ClinVar ID: VCV000432360). Therefore, this variant is classified as pathogenic according to the recommendation of ACMG/AMP guideline.

GeneDx
Classification: Pathogenic. Last evaluated: 2017-05-25. Review status: criteria provided, single submitter. Criteria: GeneDx Variant Classification (06012015). Collection method: clinical testing. Allele origin: germline. Affected: yes.
Comment: The Q920X variant in the ARID2 gene has not been reported previously as a pathogenic variant nor as a benign variant, to our knowledge. This variant is predicted to cause loss of normal protein function either through protein truncation or nonsense-mediated mRNA decay. The Q920X variant is not observed in large population cohorts (Lek et al., 2016; 1000 Genomes Consortium et al., 2015; Exome Variant Server). We interpret Q920X as a pathogenic variant.